The following is an entry in ClinVar:

NM_001040151.2(SCN3B):c.390G>A (p.Ala130=)

Gene: SCN3B (sodium voltage-gated channel beta subunit 3; minus strand). Cytogenetic location: 11q24.1.
Variant type: single nucleotide variant.
Coding change: c.390G>A on transcript NM_001040151.2 (MANE Select); coding-DNA position 390, G replaced by A.
Protein change: p.Ala130=; no amino-acid change (alanine 130 retained).
Molecular consequence: synonymous variant.
Genome position (GRCh38, 1-based): chr11:123,642,501, C>T on the plus strand (G>A on the coding strand, the complement: SCN3B is on the minus strand). VCF-style: chr11-123642501-C-T. GRCh37 (hg19) VCF-style: chr11-123513209-C-T.
Other names: p.A130A:GCG>GCA; c.390G>A, p.Ala130= (NM_018400.4).
Identifiers: ClinVar variation 139033 (VCV000139033.55), dbSNP rs148484744, ClinGen allele CA293297.

ClinVar aggregate classification (germline): Benign/Likely benign. Review status: criteria provided, multiple submitters, no conflicts (2 of 4 stars). 11 submissions from 11 submitters: Benign (4); Likely benign (4). 3 of the submissions do not count toward it. Last evaluated 2026-01-13.

Conditions:
SCN3B-related disorder. Also called: SCN3B-related condition.
Cardiovascular phenotype. Identifiers: MedGen CN230736.
Brugada syndrome 7 (BRGDA7). Identifiers: Orphanet 130, MedGen C2751088, MONDO:0013146, OMIM 613120.

Allele frequency attached by ClinVar (database versions not stated): TOPMed 0.00041; ESP Exome Variant Server 0.00077.
gnomAD v4.1: 1,742 of 1,614,168 alleles (0.11%); highest among the groups gnomAD compares: Non-Finnish European, 0.12%; 4 homozygotes.

Submissions (11):

Labcorp Genetics (formerly Invitae), Labcorp
Classification: Benign for Brugada syndrome 7. Last evaluated: 2026-01-13. Review status: criteria provided, single submitter. Criteria: Invitae Variant Classification Sherloc (09022015). Collection method: clinical testing. Allele origin: germline.

PreventionGenetics, part of Exact Sciences
Classification: Likely benign for SCN3B-related condition. Last evaluated: 2025-07-14. Review status: criteria provided, single submitter. Criteria: ACMG Guidelines, 2015. Collection method: clinical testing. Allele origin: germline.
Comment: This variant is classified as likely benign based on ACMG/AMP sequence variant interpretation guidelines (Richards et al. 2015 PMID: 25741868, with internal and published modifications).

Blueprint Genetics
Classification: Likely benign. Last evaluated: 2024-11-26. Review status: criteria provided, single submitter. Criteria: ACMG Guidelines, 2015. Collection method: clinical testing. Allele origin: germline.

ARUP Laboratories, Molecular Genetics and Genomics, ARUP Laboratories
Classification: Benign. Last evaluated: 2022-09-13. Review status: criteria provided, single submitter. Criteria: ARUP Molecular Germline Variant Investigation Process 2021. Collection method: clinical testing. Allele origin: germline.

CeGaT Center for Human Genetics Tuebingen
Classification: Likely benign. Last evaluated: 2022-08-01. Review status: criteria provided, single submitter. Criteria: CeGaT Center For Human Genetics Tuebingen Variant Classification Criteria Version 2. Collection method: clinical testing. Allele origin: germline. Affected: yes. Observed: 1 variant allele.
Comment: SCN3B: BP4, BP7

Fulgent Genetics
Classification: Benign for Brugada syndrome 7. Last evaluated: 2022-02-14. Review status: criteria provided, single submitter. Criteria: ACMG Guidelines, 2015. Collection method: clinical testing. Allele origin: unknown.

Ambry Genetics
Classification: Likely benign for Cardiovascular phenotype. Last evaluated: 2015-10-28. Review status: criteria provided, single submitter. Criteria: Ambry Variant Classification Scheme 2023. Collection method: clinical testing. Allele origin: germline.

GeneDx
Classification: Benign. Last evaluated: 2014-03-29. Review status: criteria provided, single submitter. Criteria: GeneDx Variant Classification (06012015). Collection method: clinical testing. Allele origin: germline. Affected: yes.
Comment: This variant is considered likely benign or benign based on one or more of the following criteria: it is a conservative change, it occurs at a poorly conserved position in the protein, it is predicted to be benign by multiple in silico algorithms, and/or has population frequency not consistent with disease.

Clinical Genetics, Academic Medical Center
Classification: Benign. Review status: no assertion criteria provided. Collection method: clinical testing. Allele origin: germline. Affected: yes. Study: VKGL Data-share Consensus. Not counted in ClinVar's aggregate classification.

Genome Diagnostics Laboratory, University Medical Center Utrecht
Classification: Likely benign. Review status: no assertion criteria provided. Collection method: clinical testing. Allele origin: germline. Affected: yes. Study: VKGL Data-share Consensus. Not counted in ClinVar's aggregate classification.

Joint Genome Diagnostic Labs from Nijmegen and Maastricht, Radboudumc and MUMC+
Classification: Likely benign. Review status: no assertion criteria provided. Collection method: clinical testing. Allele origin: germline. Affected: yes. Study: VKGL Data-share Consensus. Not counted in ClinVar's aggregate classification.